The following is an entry in ClinVar:

ClinVar aggregate classification (germline): Uncertain significance (1 of 4 stars; one submission).

Allele frequency attached by ClinVar (database versions not stated): gnomAD exomes 0.00001.
gnomAD v4.1: 10 of 1,495,698 alleles (0.00067%); highest among the groups gnomAD compares: Non-Finnish European, 0.00091%; no homozygotes.

Submission:

Labcorp Genetics (formerly Invitae), Labcorp
Classification: Uncertain significance. Last evaluated: 2023-12-03. Review status: criteria provided, single submitter. Criteria: Invitae Variant Classification Sherloc (09022015). Collection method: clinical testing. Allele origin: germline.
Comment: This sequence change falls in intron 11 of the SPPL2A gene. It does not directly change the encoded amino acid sequence of the SPPL2A protein. The frequency data for this variant in the population databases is considered unreliable, as metrics indicate poor data quality at this position in the gnomAD database. This variant has not been reported in the literature in individuals affected with SPPL2A-related conditions. Algorithms developed to predict the effect of sequence changes on RNA splicing suggest that this variant may disrupt the consensus splice site. In summary, the available evidence is currently insufficient to determine the role of this variant in disease. Therefore, it has been classified as a Variant of Uncertain Significance.

NM_032802.4(SPPL2A):c.1147-4A>G

Gene: SPPL2A (signal peptide peptidase like 2A; minus strand). Cytogenetic location: 15q21.2.
Variant type: single nucleotide variant.
Coding change: c.1147-4A>G on transcript NM_032802.4 (MANE Select); 4 bases into the intron before coding-DNA position 1147, A replaced by G.
Molecular consequence: intron variant.
Genome position (GRCh38, 1-based): chr15:50,725,327, T>C on the plus strand (A>G on the coding strand, the complement: SPPL2A is on the minus strand). VCF-style: chr15-50725327-T-C. GRCh37 (hg19) VCF-style: chr15-51017524-T-C.
Identifiers: ClinVar variation 2905127 (VCV002905127.3), dbSNP rs1409622456, ClinGen allele CA617891028.
Genomic context (GRCh38, chr15:50,725,327, plus strand): 5'-GCACACACTCATTACTGAGAAATAGATCAGTTTTGGTACTCTGATGACTACTGGCAACTG[T>C]TCAAAAACAAAACAAAACAAAACAAAACAAAACAAAAAACAAAACAGAGGCCGCCAATGA-3'